The following is an entry in ClinVar:

NM_018063.5(HELLS):c.277-3C>T

Gene: HELLS (helicase, lymphoid specific; plus strand). Cytogenetic location: 10q23.33.
Variant type: single nucleotide variant.
Coding change: c.277-3C>T on transcript NM_018063.5 (MANE Select); 3 bases into the intron before coding-DNA position 277, C replaced by T.
Molecular consequence: intron variant.
Genome position (GRCh38, 1-based): chr10:94,558,136, C>T. VCF-style: chr10-94558136-C-T. GRCh37 (hg19) VCF-style: chr10-96317893-C-T.
Other names: c.-96-3C>T (NM_001289071.2); c.277-3C>T (NM_001289067.2, NM_001289070.2, NM_001289069.2 and 1 more transcripts); c.-745-3C>T (NM_001289075.2); c.-726-3C>T (NM_001289074.2); c.-73-3C>T (NM_001289073.2); c.229-3C>T (NM_001289068.2).
Identifiers: ClinVar variation 1045588 (VCV001045588.4), dbSNP rs1234667092, ClinGen allele CA595303030.
Genomic context (GRCh38, chr10:94,558,136, plus strand): 5'-TATGCGTTTTTTTTTTAAATGTTGCACTTTCCACTTGTGACATAAGAAAAAATTGTCTTA[C>T]AGGAACAGAAGAAGAAAGAAAAATTGGAGAGAAAAAAGGAGTCTTTAAAAGTTAAAAAGG-3'

ClinVar aggregate classification (germline): Uncertain significance (1 of 4 stars; one submission).

Allele frequency attached by ClinVar (database versions not stated): gnomAD exomes below 0.00001; gnomAD 0.00001; TOPMed 0.00001.
gnomAD v4.1: 8 of 1,558,728 alleles (0.00051%); highest among the groups gnomAD compares: Admixed American, 0.015%; no homozygotes.

Submission:

Labcorp Genetics (formerly Invitae), Labcorp
Classification: Uncertain significance. Last evaluated: 2022-08-16. Review status: criteria provided, single submitter. Criteria: Invitae Variant Classification Sherloc (09022015). Collection method: clinical testing. Allele origin: germline.
Comment: This sequence change falls in intron 3 of the HELLS gene. It does not directly change the encoded amino acid sequence of the HELLS protein. It affects a nucleotide within the consensus splice site. This variant is not present in population databases (gnomAD no frequency). This variant has not been reported in the literature in individuals affected with HELLS-related conditions. ClinVar contains an entry for this variant (Variation ID: 1045588). Variants that disrupt the consensus splice site are a relatively common cause of aberrant splicing (PMID: 17576681, 9536098). Algorithms developed to predict the effect of sequence changes on RNA splicing suggest that this variant is not likely to affect RNA splicing. In summary, the available evidence is currently insufficient to determine the role of this variant in disease. Therefore, it has been classified as a Variant of Uncertain Significance.

Literature cited by the submitters: PubMed 17576681; PubMed 9536098.